The following is an entry in ClinVar:

NM_000540.3(RYR1):c.5638G>A (p.Glu1880Lys)

Gene: RYR1 (ryanodine receptor 1; plus strand). Cytogenetic location: 19q13.2.
Variant type: single nucleotide variant.
Coding change: c.5638G>A on transcript NM_000540.3 (MANE Select); coding-DNA position 5638, G replaced by A.
Protein change: p.Glu1880Lys; replaces glutamic acid 1880 with lysine.
Molecular consequence: missense variant.
Genome position (GRCh38, 1-based): chr19:38,489,267, G>A. VCF-style: chr19-38489267-G-A. GRCh37 (hg19) VCF-style: chr19-38979907-G-A.
Other names: c.5638G>A, p.Glu1880Lys (NM_001042723.2); short protein forms E1880K.
Identifiers: ClinVar variation 478240 (VCV000478240.36), dbSNP rs777733662, ClinGen allele CA067328.
Genomic context (GRCh38, chr19:38,489,267, plus strand): 5'-AAACAGATCTTGAAGATGATTGAGCCTGAGGTCTTCACTGAGGAAGAAGAGGAGGAGGAC[G>A]AGGAGGAAGAGGGTGAAGAGGAAGATGAGGAGGAGAAGGAGGAGGATGAGGAGGAAACAG-3'
Protein context (NP_000531.2, residues 1870-1890): VFTEEEEEED[Glu1880Lys]EEEGEEEDEE

ClinVar aggregate classification (germline): Conflicting classifications of pathogenicity. Review status: criteria provided, conflicting classifications (1 of 4 stars). 5 submissions from 5 submitters: Uncertain significance (4); Likely benign (1). Last evaluated 2025-11-22.

Conditions:
Inborn genetic diseases. Identifiers: MedGen C0950123, MeSH D030342.
Malignant hyperthermia, susceptibility to, 1 (MHS1). Also called: Malignant hyperthermia suceptibility 1; Anesthesia related hyperthermia; Malignant hyperpyrexia; Fulminating hyperpyrexia; Pharmacogenic myopathy; RYR1-Related Malignant Hyperthermia Susceptibility. Identifiers: Orphanet 423, MedGen C2930980, MONDO:0007783, OMIM 145600.
RYR1-related disorder. Also called: RYR1-related disorders; RYR1-related condition. Identifiers: MedGen CN239331.

Allele frequency attached by ClinVar (database versions not stated): gnomAD 0.00003 and 0.00004; TOPMed 0.00005; gnomAD exomes 0.00010; ExAC 0.00012.
gnomAD v4.1: 92 of 1,610,034 alleles (0.0057%); highest among the groups gnomAD compares: South Asian, 0.022%; no homozygotes.

Submissions (5):

Labcorp Genetics (formerly Invitae), Labcorp
Classification: Likely benign for RYR1-related disorder. Last evaluated: 2025-11-22. Review status: criteria provided, single submitter. Criteria: Invitae Variant Classification Sherloc (09022015). Collection method: clinical testing. Allele origin: germline.

All of Us Research Program, National Institutes of Health
Classification: Uncertain significance for Malignant hyperthermia, susceptibility to, 1. Last evaluated: 2024-09-23. Review status: criteria provided, single submitter. Criteria: ACMG Guidelines, 2015. Collection method: clinical testing. Allele origin: germline. Inheritance: Autosomal dominant inheritance. Observed: 14 variant alleles, 14 heterozygotes.
Comment: This missense variant replaces glutamic acid with lysine at codon 1880 of the RYR1 protein. Computational prediction suggests that this variant may not impact protein structure and function (internally defined REVEL score threshold <= 0.5, PMID: 27666373). To our knowledge, functional studies have not been reported for this variant. This variant has not been reported in individuals affected with RYR1-related disorders in the literature. This variant has been identified in 29/279466 chromosomes in the general population by the Genome Aggregation Database (gnomAD). The available evidence is insufficient to determine the role of this variant in disease conclusively. Therefore, this variant is classified as a Variant of Uncertain Significance.

This study involves interpretation of variants in research participants for the purpose of population health screening. Participant phenotype was not available at the time of variant classification. Additional details can be found in publication PMID: 35346344, PMCID: PMC8962531

Color Diagnostics, LLC DBA Color Health
Classification: Uncertain significance for Malignant hyperthermia, susceptibility to, 1. Last evaluated: 2023-11-29. Review status: criteria provided, single submitter. Criteria: ACMG Guidelines, 2015. Collection method: clinical testing. Allele origin: germline.
Comment: This missense variant replaces glutamic acid with lysine at codon 1880 of the RYR1 protein. Computational prediction suggests that this variant may not impact protein structure and function (internally defined REVEL score threshold <= 0.6, PMID: 27666373). To our knowledge, functional studies have not been reported for this variant. This variant has not been reported in individuals affected with RYR1-related disorders in the literature. This variant has been identified in 29/279466 chromosomes in the general population by the Genome Aggregation Database (gnomAD). The available evidence is insufficient to determine the role of this variant in disease conclusively. Therefore, this variant is classified as a Variant of Uncertain Significance.

CeGaT Center for Human Genetics Tuebingen
Classification: Uncertain significance. Last evaluated: 2023-06-01. Review status: criteria provided, single submitter. Criteria: CeGaT Center For Human Genetics Tuebingen Variant Classification Criteria Version 2. Collection method: clinical testing. Allele origin: germline. Affected: yes. Observed: 1 variant allele.
Comment: RYR1: PM2:Supporting, BP4

Ambry Genetics
Classification: Uncertain significance for Inborn genetic diseases. Last evaluated: 2022-02-03. Review status: criteria provided, single submitter. Criteria: Ambry Variant Classification Scheme 2023. Collection method: clinical testing. Allele origin: germline.